The following is an entry in ClinVar:

NM_001365276.2(TNXB):c.3665A>T (p.Lys1222Met)

Gene: TNXB (tenascin XB; minus strand). Cytogenetic location: 6p21.33.
Variant type: single nucleotide variant.
Coding change: c.3665A>T on transcript NM_001365276.2 (MANE Select); coding-DNA position 3665, A replaced by T.
Protein change: p.Lys1222Met; replaces lysine 1222 with methionine.
Molecular consequence: missense variant.
Genome position (GRCh38, 1-based): chr6:32,082,107, T>A on the plus strand (A>T on the coding strand, the complement: TNXB is on the minus strand). VCF-style: chr6-32082107-T-A. GRCh37 (hg19) VCF-style: chr6-32049884-T-A.
Other names: c.3665A>T, p.Lys1222Met (NM_019105.8); short protein forms K1222M.
Identifiers: ClinVar variation 2593606 (VCV002593606.4), dbSNP rs199977034, ClinGen allele CA3735139.

ClinVar aggregate classification (germline): Uncertain significance. Review status: criteria provided, multiple submitters, no conflicts (2 of 4 stars). 2 submissions from 2 submitters: Uncertain significance (2). Last evaluated 2025-08-09.

Conditions:
Cardiovascular phenotype. Identifiers: MedGen CN230736.

Allele frequency attached by ClinVar (database versions not stated): ExAC 0.00002; gnomAD 0.00006; TOPMed 0.00006.
gnomAD v4.1: 16 of 1,611,092 alleles (0.00099%); highest among the groups gnomAD compares: African/African-American, 0.0027%; no homozygotes.

Submissions (2):

Ambry Genetics
Classification: Uncertain significance for Cardiovascular phenotype. Last evaluated: 2025-08-09. Review status: criteria provided, single submitter. Criteria: Ambry Variant Classification Scheme 2023. Collection method: clinical testing. Allele origin: germline.
Comment: The p.K1222M variant (also known as c.3665A>T), located in coding exon 8 of the TNXB gene, results from an A to T substitution at nucleotide position 3665. The lysine at codon 1222 is replaced by methionine, an amino acid with similar properties. This amino acid position is well conserved in available vertebrate species. In addition, the in silico prediction for this alteration is inconclusive. Since supporting evidence is limited at this time, the clinical significance of this alteration remains unclear.

GeneDx
Classification: Uncertain significance. Last evaluated: 2024-05-21. Review status: criteria provided, single submitter. Criteria: GeneDx Variant Classification Process June 2021. Collection method: clinical testing. Allele origin: germline. Affected: yes.
Comment: Has not been previously published as pathogenic or benign to our knowledge; In silico analysis suggests this variant may impact gene splicing. In the absence of RNA/functional studies, the actual effect of this sequence change is unknown.; In silico analysis supports that this missense variant has a deleterious effect on protein structure/function